The following is an entry in ClinVar:

ClinVar aggregate classification (germline): Likely pathogenic (1 of 4 stars; one submission).

Submission:

GeneDx
Classification: Likely pathogenic. Last evaluated: 2024-06-03. Review status: criteria provided, single submitter. Criteria: GeneDx Variant Classification Process June 2021. Collection method: clinical testing. Allele origin: germline. Affected: yes.
Comment: Not observed at significant frequency in large population cohorts (gnomAD); In silico analysis supports that this missense variant has a deleterious effect on protein structure/function; Has not been previously published as pathogenic or benign to our knowledge; This variant is associated with the following publications: (PMID: 26125038, 21820098, 21376300)

NM_001244008.2(KIF1A):c.925T>C (p.Ser309Pro)

Gene: KIF1A (kinesin family member 1A; minus strand). Cytogenetic location: 2q37.3.
Variant type: single nucleotide variant.
Coding change: c.925T>C on transcript NM_001244008.2 (MANE Select); coding-DNA position 925, T replaced by C.
Protein change: p.Ser309Pro; replaces serine 309 with proline.
Molecular consequence: missense variant.
Genome position (GRCh38, 1-based): chr2:240,775,884, A>G on the plus strand (T>C on the coding strand, the complement: KIF1A is on the minus strand). VCF-style: chr2-240775884-A-G. GRCh37 (hg19) VCF-style: chr2-241715301-A-G.
Other names: c.925T>C, p.Ser309Pro (NM_001320705.2, NM_001330289.2, NM_001330290.2 and 20 more transcripts); short protein forms S309P.
Identifiers: ClinVar variation 245914 (VCV000245914.4), dbSNP rs879253998, ClinGen allele CA10584196.